The following is an entry in ClinVar:

NC_000005.10:g.(?_140679002)_(140683219_?)dup

Gene: HARS1 (histidyl-tRNA synthetase 1; minus strand). Cytogenetic location: 5q31.3.
Variant type: Duplication.
Identifiers: ClinVar variation 831429 (VCV000831429.2).

ClinVar aggregate classification (germline): Uncertain significance (1 of 4 stars; one submission).

Conditions:
Usher syndrome type 3B. Also called: USHER SYNDROME, TYPE IIIB. Identifiers: MedGen C3281066, MONDO:0013788, OMIM 614504.

Submission:

Labcorp Genetics (formerly Invitae), Labcorp
Classification: Uncertain significance for Usher syndrome, type 3B. Last evaluated: 2019-12-12. Review status: criteria provided, single submitter. Criteria: Invitae Variant Classification Sherloc (09022015). Collection method: clinical testing. Allele origin: germline.
Comment: This variant results in a copy number gain of the genomic region encompassing exons 3-5 of the HARS gene. While the exact position of this variant cannot be determined from this data, sub-genic copy number gains are generally in tandem (PMID: 25640679). This variant would be expected to be in-frame, preserving the integrity of the reading frame. This variant has not been reported in the literature in individuals with HARS-related conditions. Experimental studies and prediction algorithms are not available or were not evaluated, and the functional significance of this variant is currently unknown. In summary, the available evidence is currently insufficient to determine the role of this variant in disease. Therefore, it has been classified as a Variant of Uncertain Significance.